The following is an entry in ClinVar:

NM_015335.5(MED13L):c.2749G>A (p.Val917Met)

Gene: MED13L (mediator complex subunit 13L; minus strand). Cytogenetic location: 12q24.21.
Variant type: single nucleotide variant.
Coding change: c.2749G>A on transcript NM_015335.5 (MANE Select); coding-DNA position 2749, G replaced by A.
Protein change: p.Val917Met; replaces valine 917 with methionine.
Molecular consequence: missense variant.
Genome position (GRCh38, 1-based): chr12:115,997,051, C>T on the plus strand (G>A on the coding strand, the complement: MED13L is on the minus strand). VCF-style: chr12-115997051-C-T. GRCh37 (hg19) VCF-style: chr12-116434856-C-T.
Other names: short protein forms V917M.
Identifiers: ClinVar variation 4755802 (VCV004755802.1).

ClinVar aggregate classification (germline): Uncertain significance (1 of 4 stars; one submission).

Submission:

GeneDx
Classification: Uncertain significance. Last evaluated: 2025-07-29. Review status: criteria provided, single submitter. Criteria: GeneDx Variant Classification Process June 2021. Collection method: clinical testing. Allele origin: germline. Affected: yes.
Comment: Not observed at significant frequency in large population cohorts (gnomAD); In silico analysis suggests that this missense variant does not alter protein structure/function; Has not been previously published as pathogenic or benign to our knowledge